The following is an entry in ClinVar:

NM_000428.3(LTBP2):c.304G>T (p.Glu102Ter)

Gene: LTBP2 (latent transforming growth factor beta binding protein 2; minus strand). Cytogenetic location: 14q24.3.
Variant type: single nucleotide variant.
Coding change: c.304G>T on transcript NM_000428.3 (MANE Select); coding-DNA position 304, G replaced by T.
Protein change: p.Glu102Ter; replaces glutamic acid 102 with a stop codon.
Molecular consequence: nonsense.
Genome position (GRCh38, 1-based): chr14:74,611,641, C>A on the plus strand (G>T on the coding strand, the complement: LTBP2 is on the minus strand). VCF-style: chr14-74611641-C-A. GRCh37 (hg19) VCF-style: chr14-75078344-C-A.
Other names: short protein forms E102*.
Identifiers: ClinVar variation 1451121 (VCV001451121.6), dbSNP rs2139815717, ClinGen allele CA390388032.

ClinVar aggregate classification (germline): Pathogenic (1 of 4 stars; one submission).

Submission:

Labcorp Genetics (formerly Invitae), Labcorp
Classification: Pathogenic. Last evaluated: 2024-02-23. Review status: criteria provided, single submitter. Criteria: Invitae Variant Classification Sherloc (09022015). Collection method: clinical testing. Allele origin: germline.
Comment: This sequence change creates a premature translational stop signal (p.Glu102*) in the LTBP2 gene. It is expected to result in an absent or disrupted protein product. Loss-of-function variants in LTBP2 are known to be pathogenic (PMID: 19361779, 19656777, 22025892). This variant is not present in population databases (gnomAD no frequency). This variant has not been reported in the literature in individuals affected with LTBP2-related conditions. ClinVar contains an entry for this variant (Variation ID: 1451121). For these reasons, this variant has been classified as Pathogenic.

Literature cited by the submitters: PubMed 19361779; PubMed 19656777; PubMed 22025892.